The following is an entry in ClinVar:

ClinVar aggregate classification (germline): Uncertain significance (1 of 4 stars; one submission).

Conditions:
Dystonic disorder. Also called: Dystonia. Identifiers: MedGen C0013421, MONDO:0003441, HP:0001332.

Submission:

Labcorp Genetics (formerly Invitae), Labcorp
Classification: Uncertain significance for Dystonic disorder. Last evaluated: 2019-09-05. Review status: criteria provided, single submitter. Criteria: Invitae Variant Classification Sherloc (09022015). Collection method: clinical testing. Allele origin: germline.
Comment: In summary, the available evidence is currently insufficient to determine the role of this variant in disease. Therefore, it has been classified as a Variant of Uncertain Significance. This sequence change replaces arginine with lysine at codon 312 of the TOR1A protein (p.Arg312Lys). The arginine residue is moderately conserved and there is a small physicochemical difference between arginine and lysine. This variant is not present in population databases (ExAC no frequency). This variant has not been reported in the literature in individuals with TOR1A-related conditions. Algorithms developed to predict the effect of missense changes on protein structure and function output the following: SIFT: "Tolerated"; PolyPhen-2: "Benign"; Align-GVGD: "Class C0". The lysine amino acid residue is found in multiple mammalian species, suggesting that this missense change does not adversely affect protein function. These predictions have not been confirmed by published functional studies and their clinical significance is uncertain.

NM_000113.3(TOR1A):c.935G>A (p.Arg312Lys)

Gene: TOR1A (torsin family 1 member A; minus strand). Cytogenetic location: 9q34.11.
Variant type: single nucleotide variant.
Coding change: c.935G>A on transcript NM_000113.3 (MANE Select); coding-DNA position 935, G replaced by A.
Protein change: p.Arg312Lys; replaces arginine 312 with lysine.
Molecular consequence: missense variant.
Genome position (GRCh38, 1-based): chr9:129,814,036, C>T on the plus strand (G>A on the coding strand, the complement: TOR1A is on the minus strand). VCF-style: chr9-129814036-C-T. GRCh37 (hg19) VCF-style: chr9-132576315-C-T.
Other names: short protein forms R312K.
Identifiers: ClinVar variation 933433 (VCV000933433.9), dbSNP rs2030966521, ClinGen allele CA375197509.